The following is an entry in ClinVar:

NM_000238.4(KCNH2):c.1128+1890C>G

Gene: KCNH2 (potassium voltage-gated channel subfamily H member 2; minus strand). Cytogenetic location: 7q36.1.
Variant type: single nucleotide variant.
Coding change: c.1128+1890C>G on transcript NM_000238.4 (MANE Select); 1890 bases into the intron after coding-DNA position 1128, C replaced by G.
Molecular consequence: intron variant. On other transcripts: missense variant (2), non-coding transcript variant (1).
Genome position (GRCh38, 1-based): chr7:150,955,401, G>C on the plus strand (C>G on the coding strand, the complement: KCNH2 is on the minus strand). VCF-style: chr7-150955401-G-C. GRCh37 (hg19) VCF-style: chr7-150652489-G-C.
Other names: c.103C>G, p.Gln35Glu (NM_001204798.2, NM_172057.3); c.840+1890C>G (NM_001406753.1, NM_001406756.1); c.1128+1890C>G (NM_172056.3); c.951+1890C>G (NM_001406755.1); c.828+1890C>G (NM_001406757.1); short protein forms Q35E.
Identifiers: ClinVar variation 4819517 (VCV004819517.1).
Genomic context (GRCh38, chr7:150,955,401, plus strand): 5'-ACCTGCCTCAGTGTGCCGGCCCCAGAAAGAAGAGGAAGGACCGGGTGTCACCTACCTCCT[G>C]GGCCACGAGGCTGGAGATGCGCACGGCCCGCCTCACCCGGCCTTTCTGGGCCCTGGGCCG-3'

ClinVar aggregate classification (germline): Uncertain significance (1 of 4 stars; one submission).

gnomAD v4.1: 1 of 1,558,826 alleles (0.000064%); highest among the groups gnomAD compares: Non-Finnish European, 0.000087%; no homozygotes.

Submission:

GeneDx
Classification: Uncertain significance. Last evaluated: 2025-10-03. Review status: criteria provided, single submitter. Criteria: GeneDx Variant Classification Process June 2021. Collection method: clinical testing. Allele origin: germline. Affected: yes.
Comment: Not observed at significant frequency in large population cohorts (gnomAD); In silico analysis suggests that this variant does not alter splicing; Has not been previously published as pathogenic or benign to our knowledge; Reported using an alternate transcript of the gene